The following is an entry in ClinVar:

ClinVar aggregate classification (germline): Uncertain significance (1 of 4 stars; one submission).

Submission:

GeneDx
Classification: Uncertain significance. Last evaluated: 2024-11-20. Review status: criteria provided, single submitter. Criteria: GeneDx Variant Classification Process June 2021. Collection method: clinical testing. Allele origin: germline. Affected: yes.
Comment: Not observed at significant frequency in large population cohorts (gnomAD); In silico analysis supports that this missense variant has a deleterious effect on protein structure/function; Has not been previously published as pathogenic or benign to our knowledge

NM_005548.3(KARS1):c.1048C>T (p.Leu350Phe)

Gene: KARS1 (lysyl-tRNA synthetase 1; minus strand). Cytogenetic location: 16q23.1.
Variant type: single nucleotide variant.
Coding change: c.1048C>T on transcript NM_005548.3 (MANE Select); coding-DNA position 1048, C replaced by T.
Protein change: p.Leu350Phe; replaces leucine 350 with phenylalanine.
Molecular consequence: missense variant.
Genome position (GRCh38, 1-based): chr16:75,631,723, G>A on the plus strand (C>T on the coding strand, the complement: KARS1 is on the minus strand). VCF-style: chr16-75631723-G-A. GRCh37 (hg19) VCF-style: chr16-75665621-G-A.
Other names: c.1132C>T, p.Leu378Phe (NM_001130089.2); c.580C>T, p.Leu194Phe (NM_001378148.1); short protein forms L194F, L350F, L378F.
Identifiers: ClinVar variation 3900514 (VCV003900514.1).